The following is an entry in ClinVar:

NM_025074.7(FRAS1):c.2590_2591del (p.Cys864fs)

Gene: FRAS1 (Fraser extracellular matrix complex subunit 1; plus strand). Cytogenetic location: 4q21.21.
Variant type: Deletion.
Coding change: c.2590_2591del on transcript NM_025074.7 (MANE Select); coding-DNA positions 2590 to 2591, 2 bases deleted (TG; older notation c.2590_2591delTG).
Protein change: p.Cys864fs; shifts the reading frame from cysteine 864.
Molecular consequence: frameshift variant.
Genome position (GRCh38, 1-based): chr4:78,363,922-78,363,923, TG deleted. VCF-style (leftmost placement, unchanged base first): chr4-78363921-CTG-C. GRCh37 (hg19) VCF-style: chr4-79285075-CTG-C.
Other names: c.2590_2591del, p.Cys864fs (NM_001166133.2); short protein forms C864fs.
Identifiers: ClinVar variation 2735565 (VCV002735565.3), dbSNP rs2476857633, ClinGen allele CA2697546761.

ClinVar aggregate classification (germline): Pathogenic (1 of 4 stars; one submission).

Submission:

Labcorp Genetics (formerly Invitae), Labcorp
Classification: Pathogenic. Last evaluated: 2023-07-03. Review status: criteria provided, single submitter. Criteria: Invitae Variant Classification Sherloc (09022015). Collection method: clinical testing. Allele origin: germline.
Comment: This sequence change creates a premature translational stop signal (p.Cys864Glnfs*15) in the FRAS1 gene. It is expected to result in an absent or disrupted protein product. Loss-of-function variants in FRAS1 are known to be pathogenic (PMID: 12766769, 18671281). This variant is not present in population databases (gnomAD no frequency). This variant has not been reported in the literature in individuals affected with FRAS1-related conditions. For these reasons, this variant has been classified as Pathogenic.

Literature cited by the submitters: PubMed 12766769; PubMed 18671281.